The following is an entry in ClinVar:

ClinVar aggregate classification (germline): Uncertain significance (1 of 4 stars; one submission).

Conditions:
Charcot-Marie-Tooth disease type 2E (CMT2E). Also called: CHARCOT-MARIE-TOOTH DISEASE, AXONAL, TYPE 2E; CHARCOT-MARIE-TOOTH NEUROPATHY, TYPE 2E. Identifiers: Orphanet 99939, MedGen C1843225, MONDO:0011894, OMIM 607684.

Allele frequency attached by ClinVar (database versions not stated): TOPMed below 0.00001.

Submission:

Labcorp Genetics (formerly Invitae), Labcorp
Classification: Uncertain significance for Charcot-Marie-Tooth disease type 2E. Last evaluated: 2023-08-16. Review status: criteria provided, single submitter. Criteria: Invitae Variant Classification Sherloc (09022015). Collection method: clinical testing. Allele origin: germline.
Comment: This sequence change replaces glutamic acid, which is acidic and polar, with glutamine, which is neutral and polar, at codon 186 of the NEFL protein (p.Glu186Gln). This variant is not present in population databases (gnomAD no frequency). This variant has not been reported in the literature in individuals affected with NEFL-related conditions. Advanced modeling of protein sequence and biophysical properties (such as structural, functional, and spatial information, amino acid conservation, physicochemical variation, residue mobility, and thermodynamic stability) performed at Invitae indicates that this missense variant is not expected to disrupt NEFL protein function. In summary, the available evidence is currently insufficient to determine the role of this variant in disease. Therefore, it has been classified as a Variant of Uncertain Significance.

NM_006158.5(NEFL):c.556G>C (p.Glu186Gln)

Gene: NEFL (neurofilament light chain; minus strand). Cytogenetic location: 8p21.2.
Variant type: single nucleotide variant.
Coding change: c.556G>C on transcript NM_006158.5 (MANE Select); coding-DNA position 556, G replaced by C.
Protein change: p.Glu186Gln; replaces glutamic acid 186 with glutamine.
Molecular consequence: missense variant.
Genome position (GRCh38, 1-based): chr8:24,955,960, C>G on the plus strand (G>C on the coding strand, the complement: NEFL is on the minus strand). VCF-style: chr8-24955960-C-G. GRCh37 (hg19) VCF-style: chr8-24813474-C-G.
Other names: short protein forms E186Q.
Identifiers: ClinVar variation 2797904 (VCV002797904.3), dbSNP rs1803045287, ClinGen allele CA370622138.